The following is an entry in ClinVar:

NM_001042492.3(NF1):c.1484_1485insA (p.Met496fs)

Gene: NF1 (neurofibromin 1; plus strand). Cytogenetic location: 17q11.2.
Variant type: Insertion.
Coding change: c.1484_1485insA on transcript NM_001042492.3 (MANE Select); coding-DNA positions 1484 to 1485, A inserted.
Protein change: p.Met496fs; shifts the reading frame from methionine 496.
Molecular consequence: frameshift variant.
Genome position: GRCh38 VCF-style: chr17-31214542-C-CA. GRCh37 (hg19) VCF-style: chr17-29541560-C-CA.
Other names: c.1484_1485insA, p.Met496Hisfs (NM_000267.4); c.1484_1485insA, p.Met496fs (NM_001128147.3); short protein forms M496fs.
Identifiers: ClinVar variation 3257476 (VCV003257476.17).

ClinVar aggregate classification (germline): Pathogenic (1 of 4 stars; one submission).

Submission:

CeGaT Center for Human Genetics Tuebingen
Classification: Pathogenic. Last evaluated: 2024-07-01. Review status: criteria provided, single submitter. Criteria: CeGaT Center For Human Genetics Tuebingen Variant Classification Criteria Version 2. Collection method: clinical testing. Allele origin: germline. Affected: yes. Observed: 1 variant allele.
Comment: NF1: PVS1, PM2